The following is an entry in ClinVar:

NM_198578.4(LRRK2):c.3778-9C>T

Gene: LRRK2 (leucine rich repeat kinase 2; plus strand). Cytogenetic location: 12q12.
Variant type: single nucleotide variant.
Coding change: c.3778-9C>T on transcript NM_198578.4 (MANE Select); 9 bases into the intron before coding-DNA position 3778, C replaced by T.
Molecular consequence: intron variant.
Genome position (GRCh38, 1-based): chr12:40,305,776, C>T. VCF-style: chr12-40305776-C-T. GRCh37 (hg19) VCF-style: chr12-40699578-C-T.
Identifiers: ClinVar variation 308630 (VCV000308630.18), dbSNP rs114948984, ClinGen allele CA6514021.

ClinVar aggregate classification (germline): Benign/Likely benign. Review status: criteria provided, multiple submitters, no conflicts (2 of 4 stars). 5 submissions from 5 submitters: Benign (3); Likely benign (2). Last evaluated 2026-01-25.

Conditions:
Autosomal dominant Parkinson disease 8. Also called: LRRK2-Related Parkinson Disease; Parkinson disease 8; Parkinson disease 8, susceptibility to. Identifiers: Orphanet 411602, MedGen C1846862, MONDO:0011764, OMIM 607060.

Allele frequency attached by ClinVar (database versions not stated): gnomAD exomes 0.00123 and 0.00314; ExAC 0.00394; ESP Exome Variant Server 0.01230; gnomAD 0.01283 and 0.01375; 1000 Genomes Project 0.01398; 1000 Genomes Project 30x 0.01499; TOPMed 0.01499.
gnomAD v4.1: 3,813 of 1,612,482 alleles (0.24%); highest among the groups gnomAD compares: African/African-American, 4.6%; 91 homozygotes.

Submissions (5):

Labcorp Genetics (formerly Invitae), Labcorp
Classification: Benign for Autosomal dominant Parkinson disease 8. Last evaluated: 2026-01-25. Review status: criteria provided, single submitter. Criteria: Invitae Variant Classification Sherloc (09022015). Collection method: clinical testing. Allele origin: germline.

Fulgent Genetics
Classification: Benign for Autosomal dominant Parkinson disease 8. Last evaluated: 2021-08-10. Review status: criteria provided, single submitter. Criteria: ACMG Guidelines, 2015. Collection method: clinical testing. Allele origin: unknown.

GeneDx
Classification: Likely benign. Last evaluated: 2021-03-19. Review status: criteria provided, single submitter. Criteria: GeneDx Variant Classification Process June 2021. Collection method: clinical testing. Allele origin: germline. Affected: yes.

Illumina Laboratory Services, Illumina
Classification: Benign for Autosomal dominant Parkinson disease 8. Last evaluated: 2018-01-13. Review status: criteria provided, single submitter. Criteria: ICSL Variant Classification Criteria 13 December 2019. Collection method: clinical testing. Allele origin: germline.
Comment: This variant was observed in the ICSL laboratory as part of a predisposition screen in an ostensibly healthy population. It had not been previously curated by ICSL or reported in the Human Gene Mutation Database (HGMD: prior to June 1st, 2018), and was therefore a candidate for classification through an automated scoring system. Utilizing variant allele frequency, disease prevalence and penetrance estimates, and inheritance mode, an automated score was calculated to assess if this variant is too frequent to cause the disease. Based on the score and internal cut-off values, a variant classified as benign is not then subjected to further curation. The score for this variant resulted in a classification of benign for this disease.

Breakthrough Genomics
Classification: Likely benign. Review status: criteria provided, single submitter. Criteria: ACMG Guidelines, 2015. Collection method: not provided. Allele origin: germline. Inheritance: Autosomal dominant inheritance. Affected: yes.